The following is an entry in ClinVar:

NM_001130144.3(LTBP3):c.1685G>T (p.Arg562Leu)

Gene: LTBP3 (latent transforming growth factor beta binding protein 3; minus strand). Cytogenetic location: 11q13.1.
Variant type: single nucleotide variant.
Coding change: c.1685G>T on transcript NM_001130144.3 (MANE Select); coding-DNA position 1685, G replaced by T.
Protein change: p.Arg562Leu; replaces arginine 562 with leucine.
Molecular consequence: missense variant.
Genome position (GRCh38, 1-based): chr11:65,551,161, C>A on the plus strand (G>T on the coding strand, the complement: LTBP3 is on the minus strand). VCF-style: chr11-65551161-C-A. GRCh37 (hg19) VCF-style: chr11-65318632-C-A.
Other names: c.1334G>T, p.Arg445Leu (NM_001164266.1); c.1685G>T, p.Arg562Leu (NM_021070.4); short protein forms R445L, R562L.
Identifiers: ClinVar variation 4624008 (VCV004624008.1).

ClinVar aggregate classification (germline): Uncertain significance (1 of 4 stars; one submission).

Conditions:
Inborn genetic diseases. Identifiers: MedGen C0950123, MeSH D030342.

Submission:

Ambry Genetics
Classification: Uncertain significance for Inborn genetic diseases. Last evaluated: 2025-11-15. Review status: criteria provided, single submitter. Criteria: Ambry Variant Classification Scheme 2023. Collection method: clinical testing. Allele origin: germline.
Comment: The p.R562L variant (also known as c.1685G>T), located in coding exon 11 of the LTBP3 gene, results from a G to T substitution at nucleotide position 1685. The arginine at codon 562 is replaced by leucine, an amino acid with dissimilar properties. This amino acid position is conserved. In addition, the in silico prediction for this alteration is inconclusive. Based on the available evidence, the clinical significance of this variant remains unclear.